The following is an entry in ClinVar:

ClinVar aggregate classification (germline): Uncertain significance (1 of 4 stars; one submission).

Conditions:
Sulfite oxidase deficiency due to molybdenum cofactor deficiency type C. Also called: Molybdenum cofactor deficiency, complementation group C; Molybdenum cofactor deficiency C. Identifiers: Orphanet 308400, Orphanet 833, MedGen C1854990, MONDO:0014212, OMIM 615501.

Allele frequency attached by ClinVar (database versions not stated): gnomAD exomes below 0.00001; ExAC 0.00001; TOPMed 0.00001; gnomAD 0.00002.
gnomAD v4.1: 5 of 1,613,424 alleles (0.00031%); highest among the groups gnomAD compares: Admixed American, 0.0017%; no homozygotes.

Submission:

Labcorp Genetics (formerly Invitae), Labcorp
Classification: Uncertain significance for Sulfite oxidase deficiency due to molybdenum cofactor deficiency type C. Last evaluated: 2024-02-25. Review status: criteria provided, single submitter. Criteria: Invitae Variant Classification Sherloc (09022015). Collection method: clinical testing. Allele origin: germline.
Comment: This sequence change replaces proline, which is neutral and non-polar, with leucine, which is neutral and non-polar, at codon 371 of the GPHN protein (p.Pro371Leu). This variant is present in population databases (rs749278127, gnomAD 0.003%). This variant has not been reported in the literature in individuals affected with GPHN-related conditions. Advanced modeling of protein sequence and biophysical properties (such as structural, functional, and spatial information, amino acid conservation, physicochemical variation, residue mobility, and thermodynamic stability) performed at Invitae indicates that this missense variant is not expected to disrupt GPHN protein function with a negative predictive value of 80%. In summary, the available evidence is currently insufficient to determine the role of this variant in disease. Therefore, it has been classified as a Variant of Uncertain Significance.

NM_020806.5(GPHN):c.1112C>T (p.Pro371Leu)

Gene: GPHN (gephyrin; plus strand). Cytogenetic location: 14q23.3.
Variant type: single nucleotide variant.
Coding change: c.1112C>T on transcript NM_020806.5 (MANE Select); coding-DNA position 1112, C replaced by T.
Protein change: p.Pro371Leu; replaces proline 371 with leucine.
Molecular consequence: missense variant.
Genome position (GRCh38, 1-based): chr14:67,058,754, C>T. VCF-style: chr14-67058754-C-T. GRCh37 (hg19) VCF-style: chr14-67525471-C-T.
Other names: c.1013C>T, p.Pro338Leu (NM_001024218.2); c.1172C>T, p.Pro391Leu (NM_001377514.1); c.1142C>T, p.Pro381Leu (NM_001377515.1); c.1133C>T, p.Pro378Leu (NM_001377516.1); c.1085C>T, p.Pro362Leu (NM_001377517.1); c.1070C>T, p.Pro357Leu (NM_001377518.1); c.1052C>T, p.Pro351Leu (NM_001377519.1); short protein forms P338L, P351L, P371L, P381L, P357L, P391L, P362L, P378L.
Identifiers: ClinVar variation 2889695 (VCV002889695.3), dbSNP rs749278127, ClinGen allele CA7233941.